The following is an entry in ClinVar:

ClinVar aggregate classification (germline): Conflicting classifications of pathogenicity. Review status: criteria provided, conflicting classifications (1 of 4 stars). 2 submissions from 2 submitters: Uncertain significance (1); Likely benign (1). Last evaluated 2025-04-25.

Conditions:
Hereditary cancer-predisposing syndrome. Also called: Hereditary neoplastic syndrome; Hereditary Cancer Syndrome; Tumor predisposition; Neoplastic Syndromes, Hereditary. Identifiers: Orphanet 140162, MedGen C0027672, MeSH D009386, MONDO:0015356.
EGFR-related lung cancer (EGFR). Identifiers: MedGen CN130014.

gnomAD v4.1: 7 of 1,613,086 alleles (0.00043%); highest among the groups gnomAD compares: East Asian, 0.0045%; no homozygotes.

Submissions (2):

Ambry Genetics
Classification: Likely benign for Hereditary cancer-predisposing syndrome. Last evaluated: 2025-04-25. Review status: criteria provided, single submitter. Criteria: Ambry Variant Classification Scheme 2023. Collection method: clinical testing. Allele origin: germline.

Labcorp Genetics (formerly Invitae), Labcorp
Classification: Uncertain significance for EGFR-related lung cancer. Last evaluated: 2024-06-12. Review status: criteria provided, single submitter. Criteria: Invitae Variant Classification Sherloc (09022015). Collection method: clinical testing. Allele origin: germline.
Comment: This sequence change replaces valine, which is neutral and non-polar, with leucine, which is neutral and non-polar, at codon 1097 of the EGFR protein (p.Val1097Leu). This variant is present in population databases (no rsID available, gnomAD 0.01%). This variant has not been reported in the literature in individuals affected with EGFR-related conditions. ClinVar contains an entry for this variant (Variation ID: 1520174). An algorithm developed to predict the effect of missense changes on protein structure and function (PolyPhen-2) suggests that this variant is likely to be tolerated. In summary, the available evidence is currently insufficient to determine the role of this variant in disease. Therefore, it has been classified as a Variant of Uncertain Significance.

NM_005228.5(EGFR):c.3289G>C (p.Val1097Leu)

Gene: EGFR (epidermal growth factor receptor; plus strand). Cytogenetic location: 7p11.2.
Variant type: single nucleotide variant.
Coding change: c.3289G>C on transcript NM_005228.5 (MANE Select); coding-DNA position 3289, G replaced by C.
Protein change: p.Val1097Leu; replaces valine 1097 with leucine.
Molecular consequence: missense variant.
Genome position (GRCh38, 1-based): chr7:55,205,273, G>C. VCF-style: chr7-55205273-G-C. GRCh37 (hg19) VCF-style: chr7-55272966-G-C.
Other names: c.3154G>C, p.Val1052Leu (NM_001346899.2); c.3130G>C, p.Val1044Leu (NM_001346900.2); c.2488G>C, p.Val830Leu (NM_001346941.2); c.3289G>C (NM_005228.3); short protein forms V830L, V1097L, V1052L, V1044L.
Identifiers: ClinVar variation 1520174 (VCV001520174.9), dbSNP rs775345513, ClinGen allele CA367584298.